The following is an entry in ClinVar:

ClinVar aggregate classification (germline): Uncertain significance (1 of 4 stars; one submission).

Conditions:
Amyotrophic lateral sclerosis type 6. Also called: Amyotrophic lateral sclerosis 6, with or without frontotemporal dementia; FUS-Related Amyotrophic Laterial Sclerosis; AMYOTROPHIC LATERAL SCLEROSIS 6 WITHOUT FRONTOTEMPORAL DEMENTIA. Identifiers: Orphanet 275872, Orphanet 803, MedGen C2931786, MONDO:0011951, OMIM 608030.
Tremor, hereditary essential, 4 (ETM4). Identifiers: MedGen C3539195, MONDO:0013888, OMIM 614782.

gnomAD v4.1: 20 of 1,614,026 alleles (0.0012%); highest among the groups gnomAD compares: Admixed American, 0.03%; no homozygotes.

Submission:

Labcorp Genetics (formerly Invitae), Labcorp
Classification: Uncertain significance for Tremor, hereditary essential, 4; Amyotrophic lateral sclerosis type 6. Last evaluated: 2025-07-03. Review status: criteria provided, single submitter. Criteria: Invitae Variant Classification Sherloc (09022015). Collection method: clinical testing. Allele origin: germline.
Comment: This sequence change replaces serine, which is neutral and polar, with glycine, which is neutral and non-polar, at codon 121 of the FUS protein (p.Ser121Gly). This variant is present in population databases (rs759831146, gnomAD 0.04%), and has an allele count higher than expected for a pathogenic variant. This variant has not been reported in the literature in individuals affected with FUS-related conditions. An algorithm developed to predict the effect of missense changes on protein structure and function outputs the following: PolyPhen-2: "Not Available". The glycine amino acid residue is found in multiple mammalian species, which suggests that this missense change does not adversely affect protein function. In summary, the available evidence is currently insufficient to determine the role of this variant in disease. Therefore, it has been classified as a Variant of Uncertain Significance.

NM_004960.4(FUS):c.361A>G (p.Ser121Gly)

Gene: FUS (FUS RNA binding protein; plus strand). Cytogenetic location: 16p11.2.
Variant type: single nucleotide variant.
Coding change: c.361A>G on transcript NM_004960.4 (MANE Select); coding-DNA position 361, A replaced by G.
Protein change: p.Ser121Gly; replaces serine 121 with glycine.
Molecular consequence: missense variant. On other transcripts: non-coding transcript variant (1).
Genome position (GRCh38, 1-based): chr16:31,184,234, A>G. VCF-style: chr16-31184234-A-G. GRCh37 (hg19) VCF-style: chr16-31195555-A-G.
Other names: c.358A>G, p.Ser120Gly (NM_001170634.1); c.361A>G, p.Ser121Gly (NM_001170937.1); short protein forms S121G, S120G.
Identifiers: ClinVar variation 4793600 (VCV004793600.1).